The following is an entry in ClinVar:

ClinVar aggregate classification (germline): Uncertain significance (1 of 4 stars; one submission).

Conditions:
PCNT-related disorder. Also called: PCNT-related condition.

Submission:

PreventionGenetics, part of Exact Sciences
Classification: Uncertain significance for PCNT-related condition. Last evaluated: 2024-11-10. Review status: criteria provided, single submitter. Criteria: ACMG Guidelines, 2015. Collection method: clinical testing. Allele origin: germline.
Comment: The PCNT c.41C>T variant is predicted to result in the amino acid substitution p.Ala14Val. To our knowledge, this variant has not been reported in the literature or in a large population database (gnomAD), indicating this variant is rare. At this time, the clinical significance of this variant is uncertain due to the absence of conclusive functional and genetic evidence.

NM_006031.6(PCNT):c.41C>T (p.Ala14Val)

Gene: PCNT (pericentrin; plus strand). Cytogenetic location: 21q22.3.
Variant type: single nucleotide variant.
Coding change: c.41C>T on transcript NM_006031.6 (MANE Select); coding-DNA position 41, C replaced by T.
Protein change: p.Ala14Val; replaces alanine 14 with valine.
Molecular consequence: missense variant.
Genome position (GRCh38, 1-based): chr21:46,324,269, C>T. VCF-style: chr21-46324269-C-T. GRCh37 (hg19) VCF-style: chr21-47744183-C-T.
Other names: short protein forms A14V.
Identifiers: ClinVar variation 4978143 (VCV004978143.1).
Genomic context (GRCh38, chr21:46,324,269, plus strand): 5'-CCGCGCGGAGTCTGAGGGAGATGGAAGTTGAGCAAGAGCAGCGGCGCAGAAAGGTGGAGG[C>T]CGGGAGGACGAAGGTAAACATTAGGGGCTTCTTCTCTAGCTGCTCTGGCGTGAAGTCCTA-3'
Protein context (NP_006022.3, residues 4-24): EQEQRRRKVE[Ala14Val]GRTKLAHFRQ